The following is an entry in ClinVar:

NM_001079.4(ZAP70):c.835C>T (p.His279Tyr)

Gene: ZAP70 (zeta chain of T cell receptor associated protein kinase 70; plus strand). Cytogenetic location: 2q11.2.
Variant type: single nucleotide variant.
Coding change: c.835C>T on transcript NM_001079.4 (MANE Select); coding-DNA position 835, C replaced by T.
Protein change: p.His279Tyr; replaces histidine 279 with tyrosine.
Molecular consequence: missense variant. On other transcripts: 5 prime UTR variant (1).
Genome position (GRCh38, 1-based): chr2:97,733,341, C>T. VCF-style: chr2-97733341-C-T. GRCh37 (hg19) VCF-style: chr2-98349804-C-T.
Other names: c.835C>T, p.His279Tyr (NM_001378594.1); c.-1211C>T (NM_207519.2); short protein forms H279Y.
Identifiers: ClinVar variation 1942321 (VCV001942321.4), dbSNP rs201776628, ClinGen allele CA1790246.

ClinVar aggregate classification (germline): Uncertain significance. Review status: criteria provided, multiple submitters, no conflicts (2 of 4 stars). 3 submissions from 3 submitters: Uncertain significance (3). Last evaluated 2025-08-05.

Conditions:
Inborn genetic diseases. Identifiers: MedGen C0950123, MeSH D030342.
Combined immunodeficiency due to ZAP70 deficiency (IMD48). Also called: ZAP70 Deficiency; Immunodeficiency 48. Identifiers: Orphanet 911, MedGen C2931299, MONDO:0010023, OMIM 269840.

Allele frequency attached by ClinVar (database versions not stated): ESP Exome Variant Server 0.00008; gnomAD 0.00003; ExAC 0.00003; gnomAD exomes 0.00009; TOPMed 0.00003.
gnomAD v4.1: 129 of 1,594,294 alleles (0.0081%); highest among the groups gnomAD compares: Non-Finnish European, 0.01%; no homozygotes.

Submissions (3):

Ambry Genetics
Classification: Uncertain significance for Inborn genetic diseases. Last evaluated: 2025-08-05. Review status: criteria provided, single submitter. Criteria: Ambry Variant Classification Scheme 2023. Collection method: clinical testing. Allele origin: germline.

Blueprint Genetics
Classification: Uncertain significance. Last evaluated: 2023-10-02. Review status: criteria provided, single submitter. Criteria: ACMG Guidelines, 2015. Collection method: clinical testing. Allele origin: germline.

Labcorp Genetics (formerly Invitae), Labcorp
Classification: Uncertain significance for Combined immunodeficiency due to ZAP70 deficiency. Last evaluated: 2022-08-05. Review status: criteria provided, single submitter. Criteria: Invitae Variant Classification Sherloc (09022015). Collection method: clinical testing. Allele origin: germline.
Comment: This sequence change replaces histidine, which is basic and polar, with tyrosine, which is neutral and polar, at codon 279 of the ZAP70 protein (p.His279Tyr). This variant is present in population databases (rs201776628, gnomAD 0.005%). This variant has not been reported in the literature in individuals affected with ZAP70-related conditions. Algorithms developed to predict the effect of missense changes on protein structure and function are either unavailable or do not agree on the potential impact of this missense change (SIFT: "Not Available"; PolyPhen-2: "Benign"; Align-GVGD: "Not Available"). In summary, the available evidence is currently insufficient to determine the role of this variant in disease. Therefore, it has been classified as a Variant of Uncertain Significance.